The following is an entry in ClinVar:

ClinVar aggregate classification (germline): Uncertain significance (1 of 4 stars; one submission).

Conditions:
Hereditary breast ovarian cancer syndrome. Also called: Hereditary breast and ovarian cancer syndrome; Hereditary breast and/or ovarian cancer syndrome; Hereditary breast and ovarian cancer; Breast and ovarian cancer; Hereditary breast and ovarian cancer syndrome (HBOC); BRCA1- and BRCA2-Associated Hereditary Breast and Ovarian Cancer. Identifiers: Orphanet 145, MedGen C0677776, MeSH D061325, MONDO:0003582. Disease mechanism: loss of function.

Submission:

Labcorp Genetics (formerly Invitae), Labcorp
Classification: Uncertain significance for Hereditary breast ovarian cancer syndrome. Last evaluated: 2024-08-21. Review status: criteria provided, single submitter. Criteria: Invitae Variant Classification Sherloc (09022015). Collection method: clinical testing. Allele origin: germline.
Comment: This variant, c.515_517del, results in the deletion of 1 amino acid(s) of the BRCA1 protein (p.Gln172del), but otherwise preserves the integrity of the reading frame. This variant is not present in population databases (gnomAD no frequency). This variant has not been reported in the literature in individuals affected with BRCA1-related conditions. Experimental studies and prediction algorithms are not available or were not evaluated, and the functional significance of this variant is currently unknown. In summary, the available evidence is currently insufficient to determine the role of this variant in disease. Therefore, it has been classified as a Variant of Uncertain Significance.

NM_007294.4(BRCA1):c.515_517del (p.Gln172del)

Gene: BRCA1 (BRCA1 DNA repair associated; minus strand). Cytogenetic location: 17q21.31.
Variant type: Deletion.
Coding change: c.515_517del on transcript NM_007294.4 (MANE Select); coding-DNA positions 515 to 517, 3 bases deleted (AAC; older notation c.515_517delAAC).
Protein change: p.Gln172del; deletes glutamine 172.
Molecular consequence: intron variant (on NM_001407967.1).
Genome position (GRCh38, 1-based): chr17:43,099,805-43,099,807, GTT deleted on the plus strand (AAC on the coding strand, the reverse complement: BRCA1 is on the minus strand); deleting any 3 consecutive bases within chr17:43,099,805-43,099,809 gives the same sequence; the c. name uses the placement nearest the transcript's 3' end. VCF-style (leftmost placement, unchanged base first): chr17-43099804-GGTT-G. GRCh37 (hg19) VCF-style: chr17-41251821-GGTT-G.
Other names: c.374_376del, p.Gln125del (NM_001407935.1, NM_001407728.1, NM_001407729.1 and 61 more transcripts); c.512_514del, p.Gln171del (NM_001407940.1, NM_001407941.1, NM_001407972.1 and 65 more transcripts); c.515_517del, p.Gln172del (NM_001407939.1, NM_001407937.1, NM_001407938.1 and 96 more transcripts); c.371_373del, p.Gln124del (NM_001407936.1, NM_001407943.1, NM_001407740.1 and 35 more transcripts); c.305_307del, p.Gln102del (NM_001407946.1, NM_001407947.1, NM_001407948.1 and 37 more transcripts); c.302_304del, p.Gln101del (NM_001407955.1, NM_001407954.1, NM_001407958.1 and 18 more transcripts); c.134_136del, p.Gln45del (NM_001407959.1, NM_001407960.1, NM_001407963.1 and 3 more transcripts); c.131_133del, p.Gln44del (NM_001407962.1); and 5 more; short protein forms Q101del, Q127del, Q146del, Q172del, Q124del, Q125del, Q102del, Q145del.
Identifiers: ClinVar variation 3663181 (VCV003663181.2).